The following is an entry in ClinVar:

ClinVar aggregate classification (germline): Uncertain significance (1 of 4 stars; one submission).

Conditions:
Hereditary diffuse gastric adenocarcinoma (HDGC). Also called: DIFFUSE GASTRIC AND LOBULAR BREAST CANCER SYNDROME. Identifiers: Orphanet 26106, MedGen C1708349, MONDO:0007648, OMIM 137215.

Submission:

Labcorp Genetics (formerly Invitae), Labcorp
Classification: Uncertain significance for Hereditary diffuse gastric adenocarcinoma. Last evaluated: 2020-09-15. Review status: criteria provided, single submitter. Criteria: Invitae Variant Classification Sherloc (09022015). Collection method: clinical testing. Allele origin: germline.
Comment: This variant is not present in population databases (ExAC no frequency). This variant has not been reported in the literature in individuals with CDH1-related conditions. Algorithms developed to predict the effect of missense changes on protein structure and function are either unavailable or do not agree on the potential impact of this missense change (SIFT: "Deleterious"; PolyPhen-2: "Probably Damaging"; Align-GVGD: "Class C0"). In summary, the available evidence is currently insufficient to determine the role of this variant in disease. Therefore, it has been classified as a Variant of Uncertain Significance. This sequence change replaces asparagine with aspartic acid at codon 814 of the CDH1 protein (p.Asn814Asp). The asparagine residue is highly conserved and there is a small physicochemical difference between asparagine and aspartic acid.

NM_004360.5(CDH1):c.2440A>G (p.Asn814Asp)

Gene: CDH1 (cadherin 1; plus strand). Cytogenetic location: 16q22.1.
Variant type: single nucleotide variant.
Coding change: c.2440A>G on transcript NM_004360.5 (MANE Select); coding-DNA position 2440, A replaced by G.
Protein change: p.Asn814Asp; replaces asparagine 814 with aspartic acid.
Molecular consequence: missense variant.
Genome position (GRCh38, 1-based): chr16:68,833,290, A>G. VCF-style: chr16-68833290-A-G. GRCh37 (hg19) VCF-style: chr16-68867193-A-G.
Other names: c.2257A>G, p.Asn753Asp (NM_001317184.2); c.892A>G, p.Asn298Asp (NM_001317185.2); c.475A>G, p.Asn159Asp (NM_001317186.2); short protein forms N159D, N298D, N753D, N814D.
Identifiers: ClinVar variation 1061281 (VCV001061281.9), dbSNP rs2152143825, ClinGen allele CA396471939.